The following is an entry in ClinVar:

ClinVar aggregate classification (germline): Conflicting classifications of pathogenicity. Review status: criteria provided, conflicting classifications (1 of 4 stars). 10 submissions from 7 submitters: Uncertain significance (2); Benign (4); Likely benign (2). 2 of the submissions do not count toward it. Last evaluated 2026-01-26.

Conditions:
Thrombophilia due to thrombin defect (THPH1). Also called: Thrombosis susceptibility; THROMBOPHILIA DUE TO FACTOR 2 DEFECT; Prothrombin-Related Thrombophilia (Factor II); Prothrombin Thrombophilia. Identifiers: MedGen C3160733, MONDO:0008559, OMIM 188050. Disease mechanism: gain of function, loss of function.
Thrombocytopenia. Identifiers: MedGen C0040034, MeSH D013921, MONDO:0002049, HP:0001873.
Abnormal bleeding. Also called: Bleeding diathesis. Identifiers: MedGen C1458140, HP:0001892.
Congenital factor V deficiency. Also called: Hereditary factor V deficiency disease; OWREN PARAHEMOPHILIA; PARAHEMOPHILIA; LABILE FACTOR DEFICIENCY. Identifiers: Orphanet 326, MedGen C0015499, MONDO:0009210, OMIM 227400.
F5-related disorder. Also called: F5-related condition.
Budd-Chiari syndrome (BDCHS). Also called: Hepatic vein obstruction. Identifiers: Orphanet 131, MedGen C0856761, MONDO:0010947, OMIM 600880, HP:0002639.
Primary familial hypertrophic cardiomyopathy (HCM). Identifiers: Orphanet 99739, MedGen C0949658, MeSH D024741, MONDO:0024573. Inheritance: Various modes of inheritance.
Thrombophilia due to activated protein C resistance (THPH2). Also called: PCCF DEFICIENCY; PROC COFACTOR DEFICIENCY; THROMBOPHILIA DUE TO DEFICIENCY OF ACTIVATED PROTEIN C COFACTOR; THROMBOPHILIA V; Hereditary Resistance to Activated Protein C; Activated protein C resistance. Identifiers: MedGen C1861171, MONDO:0008560, OMIM 188055. Disease mechanism: gain of function, loss of function.
Factor V deficiency. Also called: Reduced coagulation factor V activity. Identifiers: Orphanet 326, MedGen C4317320, MONDO:0020586, HP:0003225.

Allele frequency attached by ClinVar (database versions not stated): ESP Exome Variant Server 0.00115; TOPMed 0.00134; gnomAD 0.00144 and 0.00166; 1000 Genomes Project 30x 0.00234; 1000 Genomes Project 0.00240; ExAC 0.00245; gnomAD exomes 0.00251.
gnomAD v4.1: 3,264 of 1,613,546 alleles (0.2%); highest among the groups gnomAD compares: South Asian, 0.86%; 13 homozygotes.

Submissions (10):

Labcorp Genetics (formerly Invitae), Labcorp
Classification: Benign for Congenital factor V deficiency. Last evaluated: 2026-01-26. Review status: criteria provided, single submitter. Criteria: Invitae Variant Classification Sherloc (09022015). Collection method: clinical testing. Allele origin: germline.

Petrovsky National Research Centre of Surgery, The Federal Agency for Scientific Organizations
Classification: Uncertain significance for Primary familial hypertrophic cardiomyopathy. Last evaluated: 2025-12-16. Review status: criteria provided, single submitter. Criteria: ACMG Guidelines, 2015. Collection method: clinical testing. Allele origin: germline. Affected: yes. Observed: 1 variant allele.
Comment: The variant is in The Genome Aggregation Database (gnomAD) v4.1.0 with total 0.002023. (Date of access 2025-12-16).

CeGaT Center for Human Genetics Tuebingen
Classification: Likely benign. Last evaluated: 2025-10-01. Review status: criteria provided, single submitter. Criteria: CeGaT Center For Human Genetics Tuebingen Variant Classification Criteria Version 2. Collection method: clinical testing. Allele origin: germline. Affected: yes. Observed: 7 variant alleles.
Comment: F5: BS2

Illumina Laboratory Services, Illumina
Classification: Benign for Congenital factor V deficiency. Last evaluated: 2017-04-27. Review status: criteria provided, single submitter. Criteria: ICSL Variant Classification Criteria 13 December 2019. Collection method: clinical testing. Allele origin: germline.
Comment: This variant was observed as part of a predisposition screen in an ostensibly healthy population. A literature search was performed for the gene, cDNA change, and amino acid change (where applicable). No publications were found based on this search. Allele frequency data from public databases was too high to be consistent with this variant causing disease. Therefore, this variant is classified as benign.

Illumina Laboratory Services, Illumina
Classification: Likely benign for Budd-Chiari syndrome. Last evaluated: 2017-04-27. Review status: criteria provided, single submitter. Criteria: ICSL Variant Classification Criteria 13 December 2019. Collection method: clinical testing. Allele origin: germline.
Comment: This variant was observed as part of a predisposition screen in an ostensibly healthy population. A literature search was performed for the gene, cDNA change, and amino acid change (where applicable). No publications were found based on this search. Allele frequency data from public databases allowed determination this variant is unlikely to cause disease. Therefore, this variant is classified as likely benign.

Illumina Laboratory Services, Illumina
Classification: Benign for Venous thrombosis. Last evaluated: 2017-04-27. Review status: criteria provided, single submitter. Criteria: ICSL Variant Classification Criteria 13 December 2019. Collection method: clinical testing. Allele origin: germline.
Comment: the same text as in the submission from Illumina Laboratory Services, Illumina above.

Illumina Laboratory Services, Illumina
Classification: Benign for Thrombophilia due to activated protein C resistance. Last evaluated: 2017-04-27. Review status: criteria provided, single submitter. Criteria: ICSL Variant Classification Criteria 13 December 2019. Collection method: clinical testing. Allele origin: germline.
Comment: the same text as in the submission from Illumina Laboratory Services, Illumina above.

ISTH-SSC Genomics in Thrombosis and Hemostasis, KU Leuven, Center for Molecular and Vascular Biology
Classification: Uncertain significance for Congenital factor V deficiency. Review status: criteria provided, single submitter. Criteria: ACMG Guidelines, 2015. Collection method: clinical testing. Allele origin: unknown. Affected: yes.
Comment: Submitted to GoldVariant by Kathleen Freson, Center for Molecular and Vascular Biology, Leuven, Belgium

Birmingham Platelet Group; University of Birmingham
Classification: Uncertain significance for Thrombocytopenia; Abnormal bleeding. Last evaluated: 2020-05-01. Review status: no assertion criteria provided. Collection method: research. Allele origin: germline. Affected: yes. Not counted in ClinVar's aggregate classification.

PreventionGenetics, part of Exact Sciences
Classification: Benign for F5-related condition. Last evaluated: 2019-04-30. Review status: no assertion criteria provided. Collection method: clinical testing. Allele origin: germline. Not counted in ClinVar's aggregate classification.
Comment: This variant is classified as benign based on ACMG/AMP sequence variant interpretation guidelines (Richards et al. 2015 PMID: 25741868, with internal and published modifications).

Literature cited by the submitters: PubMed 34355501 (cited by ISTH-SSC Genomics in Thrombosis and Hemostasis, KU Leuven, Center for Molecular and Vascular Biology).

NM_000130.5(F5):c.5245C>G (p.Leu1749Val)

Gene: F5 (coagulation factor V; minus strand). Cytogenetic location: 1q24.2.
Variant type: single nucleotide variant.
Coding change: c.5245C>G on transcript NM_000130.5 (MANE Select); coding-DNA position 5245, C replaced by G.
Protein change: p.Leu1749Val; replaces leucine 1749 with valine.
Molecular consequence: missense variant.
Genome position (GRCh38, 1-based): chr1:169,529,782, G>C on the plus strand (C>G on the coding strand, the complement: F5 is on the minus strand). VCF-style: chr1-169529782-G-C. GRCh37 (hg19) VCF-style: chr1-169499020-G-C.
Other names: short protein forms L1749V.
Identifiers: ClinVar variation 713561 (VCV000713561.56), dbSNP rs6034, ClinGen allele CA1233537.